The following is an entry in ClinVar:

NM_005559.4(LAMA1):c.1057G>T (p.Gly353Ter)

Gene: LAMA1 (laminin subunit alpha 1; minus strand). Cytogenetic location: 18p11.31.
Variant type: single nucleotide variant.
Coding change: c.1057G>T on transcript NM_005559.4 (MANE Select); coding-DNA position 1057, G replaced by T.
Protein change: p.Gly353Ter; replaces glycine 353 with a stop codon.
Molecular consequence: nonsense.
Genome position (GRCh38, 1-based): chr18:7,043,325, C>A on the plus strand (G>T on the coding strand, the complement: LAMA1 is on the minus strand). VCF-style: chr18-7043325-C-A. GRCh37 (hg19) VCF-style: chr18-7043324-C-A.
Other names: short protein forms G353*.
Identifiers: ClinVar variation 489185 (VCV000489185.2), dbSNP rs1555658551, ClinGen allele CA401837519.

ClinVar aggregate classification (germline): Likely pathogenic (1 of 4 stars; one submission).

Submission:

GeneDx
Classification: Likely pathogenic. Last evaluated: 2017-12-05. Review status: criteria provided, single submitter. Criteria: GeneDx Variant Classification (06012015). Collection method: clinical testing. Allele origin: germline. Affected: yes.
Comment: The G353X variant in the LAMA1 gene has not been reported previously as a pathogenic variant nor as a benign variant, to our knowledge. This variant is predicted to cause loss of normal protein function either through protein truncation or nonsense-mediated mRNA decay. The G353X variant is not observed in large population cohorts (Lek et al., 2016). We interpret G353X as a likely pathogenic variant.